The following is an entry in ClinVar:

NM_015464.3(SOSTDC1):c.592del (p.Ser198fs)

Gene: SOSTDC1 (sclerostin domain containing 1; minus strand). Cytogenetic location: 7p21.2.
Variant type: Deletion.
Coding change: c.592del on transcript NM_015464.3 (MANE Select); coding-DNA position 592, one base deleted (A; older notation c.592delA).
Protein change: p.Ser198fs; shifts the reading frame from serine 198.
Molecular consequence: frameshift variant.
Genome position (GRCh38, 1-based): chr7:16,462,577, T deleted on the plus strand (A on the coding strand, the reverse complement: SOSTDC1 is on the minus strand). VCF-style (leftmost placement, unchanged base first): chr7-16462576-CT-C. GRCh37 (hg19) VCF-style: chr7-16502201-CT-C.
Other names: short protein forms S198fs.
Identifiers: ClinVar variation 791269 (VCV000791269.22), dbSNP rs554609300, ClinGen allele CA4169676.

ClinVar aggregate classification (germline): Benign/Likely benign. Review status: criteria provided, multiple submitters, no conflicts (2 of 4 stars). 2 submissions from 2 submitters: Benign (1); Likely benign (1). Last evaluated 2025-11-01.

Allele frequency attached by ClinVar (database versions not stated): 1000 Genomes Project 30x 0.00125; 1000 Genomes Project 0.00140; TOPMed 0.00249; ESP Exome Variant Server 0.00312; gnomAD exomes 0.00329 and 0.00394; ExAC 0.00358; gnomAD 0.00393 and 0.00408.

Submissions (2):

CeGaT Center for Human Genetics Tuebingen
Classification: Likely benign. Last evaluated: 2025-11-01. Review status: criteria provided, single submitter. Criteria: CeGaT Center For Human Genetics Tuebingen Variant Classification Criteria Version 2. Collection method: clinical testing. Allele origin: germline. Affected: yes. Observed: 6 variant alleles.
Comment: SOSTDC1: BS2

Labcorp Genetics (formerly Invitae), Labcorp
Classification: Benign. Last evaluated: 2019-12-31. Review status: criteria provided, single submitter. Criteria: Invitae Variant Classification Sherloc (09022015). Collection method: clinical testing. Allele origin: germline.